The following is an entry in ClinVar:

NM_181882.3(PRX):c.148G>T (p.Asp50Tyr)

Genes: PRX (periaxin; minus strand), LOC130064454 (ATAC-STARR-seq lymphoblastoid active region 14650; plus strand). Cytogenetic location: 19q13.2.
Variant type: single nucleotide variant.
Coding change: c.148G>T on transcript NM_181882.3 (MANE Select); coding-DNA position 148, G replaced by T.
Protein change: p.Asp50Tyr; replaces aspartic acid 50 with tyrosine.
Molecular consequence: missense variant.
Genome position (GRCh38, 1-based): chr19:40,403,742, C>A on the plus strand (G>T on the coding strand, the complement: PRX is on the minus strand). VCF-style: chr19-40403742-C-A. GRCh37 (hg19) VCF-style: chr19-40909649-C-A.
Other names: c.148G>T, p.Asp50Tyr (NM_020956.2); c.148G>T (NM_181882.2); short protein forms D50Y.
Identifiers: ClinVar variation 1062705 (VCV001062705.7), dbSNP rs528136982, ClinGen allele CA9444573.
Genomic context (GRCh38, chr19:40,403,742, plus strand): 5'-GCCCCACACCCCGGGCCCGCCCACCTTCCTGCAGGCTGAGGCTCCTGGCGGCGGGTGAGT[C>A]CTCGCGCAGCTCCCGAACGAAGATTCCCTCTTTGCCGCCGCCCGCTACGTTGATGCCGCT-3'
Protein context (NP_870998.2, residues 40-60): EGIFVRELRE[Asp50Tyr]SPAARSLSLQ

ClinVar aggregate classification (germline): Uncertain significance. Review status: criteria provided, multiple submitters, no conflicts (2 of 4 stars). 2 submissions from 2 submitters: Uncertain significance (2). Last evaluated 2023-11-09.

Conditions:
Charcot-Marie-Tooth disease type 4. Also called: Charcot-Marie-Tooth, Type 4; Charcot-Marie-Tooth disease, type IV. Identifiers: Orphanet 64749, MedGen C4082197, MONDO:0018995.
Inborn genetic diseases. Identifiers: MedGen C0950123, MeSH D030342.

Allele frequency attached by ClinVar (database versions not stated): gnomAD 0.00001 and 0.00003; gnomAD exomes 0.00001 and 0.00002; TOPMed 0.00003; ExAC 0.00004; 1000 Genomes Project 0.00040; 1000 Genomes Project 30x 0.00047.
gnomAD v4.1: 14 of 1,572,682 alleles (0.00089%); highest among the groups gnomAD compares: Middle Eastern, 0.037%; no homozygotes.

Submissions (2):

Ambry Genetics
Classification: Uncertain significance for Inborn genetic diseases. Last evaluated: 2023-11-09. Review status: criteria provided, single submitter. Criteria: Ambry Variant Classification Scheme 2023. Collection method: clinical testing. Allele origin: germline.

Labcorp Genetics (formerly Invitae), Labcorp
Classification: Uncertain significance for Charcot-Marie-Tooth disease type 4. Last evaluated: 2021-08-27. Review status: criteria provided, single submitter. Criteria: Invitae Variant Classification Sherloc (09022015). Collection method: clinical testing. Allele origin: germline.
Comment: This sequence change replaces aspartic acid with tyrosine at codon 50 of the PRX protein (p.Asp50Tyr). The aspartic acid residue is highly conserved and there is a large physicochemical difference between aspartic acid and tyrosine. This variant is present in population databases (rs528136982, ExAC 0.04%). This variant has not been reported in the literature in individuals affected with PRX-related conditions. Algorithms developed to predict the effect of missense changes on protein structure and function are either unavailable or do not agree on the potential impact of this missense change (SIFT: "Deleterious"; PolyPhen-2: "Probably Damaging"; Align-GVGD: "Class C0"). In summary, the available evidence is currently insufficient to determine the role of this variant in disease. Therefore, it has been classified as a Variant of Uncertain Significance.